The following is an entry in ClinVar:

ClinVar aggregate classification (germline): Conflicting classifications of pathogenicity. Review status: criteria provided, conflicting classifications (1 of 4 stars). 4 submissions from 4 submitters: Likely pathogenic (3); Uncertain significance (1). Last evaluated 2025-04-28.

Conditions:
Early-infantile DEE. Also called: Ohtahara syndrome; Early infantile epileptic encephalopathy with suppression bursts; Early infantile epileptic encephalopathy. Identifiers: Orphanet 1934, MedGen C0393706, MONDO:0800491.
Global developmental delay (DD). Also called: Cognitive delay. Identifiers: MedGen C0557874, HP:0001263. Disease mechanism: loss of function.
Seizure. Also called: Seizures. Identifiers: MedGen C0036572, HP:0001250.
Autosomal recessive inheritance. Identifiers: MedGen C0441748, HP:0000007.

Submissions (5):

GeneDx
Classification: Likely pathogenic. Last evaluated: 2025-04-28. Review status: criteria provided, single submitter. Criteria: GeneDx Variant Classification Process June 2021. Collection method: clinical testing. Allele origin: germline.
Comment: Published functional studies demonstrate a depolarizing shift in voltage-dependent activation consistent with reduced neuronal activity (PMID: 31625145); In silico analysis supports that this missense variant has a deleterious effect on protein structure/function; This substitution is predicted to be within Intracellular loop between the S4 and S5 transmembrane segments of the fourth homologous domain; Not observed at significant frequency in large population cohorts (gnomAD); This variant is associated with the following publications: (PMID: 31625145, 32427350, 38251463)

Labcorp Genetics (formerly Invitae), Labcorp
Classification: Uncertain significance for Early-infantile DEE. Last evaluated: 2020-05-15. Review status: criteria provided, single submitter. Criteria: Invitae Variant Classification Sherloc (09022015). Collection method: clinical testing. Allele origin: germline.
Comment: In summary, the available evidence is currently insufficient to determine the role of this variant in disease. Therefore, it has been classified as a Variant of Uncertain Significance. This variant has been reported to affect SCN8A protein function (PMID: 31625145). This variant has been observed in individual(s) with autosomal recessive early infantile epileptic encephalopathy (PMID: 31625145). This variant is not present in population databases (ExAC no frequency). This sequence change replaces arginine with cysteine at codon 1638 of the SCN8A protein (p.Arg1638Cys). The arginine residue is highly conserved and there is a large physicochemical difference between arginine and cysteine.

Institute of Human Genetics, University of Leipzig Medical Center
Classification: Likely pathogenic for Autosomal recessive inheritance; Seizure; Global developmental delay. Last evaluated: 2019-10-17. Review status: criteria provided, single submitter. Criteria: ACMG Guidelines, 2015. Collection method: clinical testing. Allele origin: germline. Affected: yes.
Comment: This variant was identified comp-het. with c.2464G>A; p.(Gly822Arg)

Laboratoire Génétique Moléculaire, CHRU TOURS
Classification: Likely pathogenic. Last evaluated: 2019-04-10. Review status: criteria provided, single submitter. Criteria: ACMG Guidelines, 2015. Collection method: clinical testing. Allele origin: unknown. Affected: yes.

Channelopathy-Associated Epilepsy Research Center
No classification provided (evidence only). Condition: Complex neurodevelopmental disorder. Review status: no classification provided. Collection method: literature only. Allele origin: not applicable. Functional consequence: Normal peak current, Mild-moderate depolarizing shift of voltage dependence of activation, Increase in slope of activation, Normal voltage dependence of fast inactivation, Increase in slope of fast inactivation, Overall loss-of-function effect with respect to biophysical channel activity. Not counted in ClinVar's aggregate classification.
ClinVar note: "not provided" was previously submitted as the classification for the variant. However, the classification appeared to be based only on an observation of functional data so it was converted to no classification on 2025-07-30.

Literature cited by the submitters: PubMed 31625145 (cited by 3 submitters).

NM_001330260.2(SCN8A):c.4912C>T (p.Arg1638Cys)

Gene: SCN8A (sodium voltage-gated channel alpha subunit 8; plus strand). Cytogenetic location: 12q13.13.
Variant type: single nucleotide variant.
Coding change: c.4912C>T on transcript NM_001330260.2 (MANE Select); coding-DNA position 4912, C replaced by T.
Protein change: p.Arg1638Cys; replaces arginine 1638 with cysteine.
Molecular consequence: missense variant.
Genome position (GRCh38, 1-based): chr12:51,806,398, C>T. VCF-style: chr12-51806398-C-T. GRCh37 (hg19) VCF-style: chr12-52200182-C-T.
Other names: c.4789C>T, p.Arg1597Cys (NM_001177984.3, NM_001369788.1); c.4912C>T, p.Arg1638Cys (NM_014191.4); short protein forms R1597C, R1638C.
Identifiers: ClinVar variation 1008700 (VCV001008700.16), dbSNP rs1938703307, ClinGen allele CA384880501.
Genomic context (GRCh38, chr12:51,806,398, plus strand): 5'-GTCATCCGATTGGCCCGTATTGGGCGCATCTTGCGTCTGATCAAAGGCGCCAAAGGGATT[C>T]GTACCCTGCTCTTTGCCTTAATGATGTCCTTGCCTGCCCTGTTCAACATCGGCCTTCTGC-3'
Protein context (NP_001317189.1, residues 1628-1648): LRLIKGAKGI[Arg1638Cys]TLLFALMMSL